The following is an entry in ClinVar:

NM_001130987.2(DYSF):c.5830C>T (p.Arg1944Ter)

Gene: DYSF (dysferlin; plus strand). Cytogenetic location: 2p13.2.
Variant type: single nucleotide variant.
Coding change: c.5830C>T on transcript NM_001130987.2 (MANE Select); coding-DNA position 5830, C replaced by T.
Protein change: p.Arg1944Ter; replaces arginine 1944 with a stop codon.
Molecular consequence: nonsense.
Genome position (GRCh38, 1-based): chr2:71,674,242, C>T. VCF-style: chr2-71674242-C-T. GRCh37 (hg19) VCF-style: chr2-71901372-C-T.
Other names: 6086C>T; NM_001130987.2(DYSF):c.5830C>T; p.Arg1944Ter; c.5713C>T, p.Arg1905Ter (NM_003494.4); c.5716C>T, p.Arg1906Ter (NM_001130455.2); c.5671C>T, p.Arg1891Ter (NM_001130976.2); c.5734C>T, p.Arg1912Ter (NM_001130977.2); c.5776C>T, p.Arg1926Ter (NM_001130978.2); and 8 more; short protein forms R1905*, R1926*, R1944*, R1922*, R1923*, R1936*, R1891*, R1892*.
Identifiers: ClinVar variation 6676 (VCV000006676.33), dbSNP rs121908959, ClinGen allele CA118412.

ClinVar aggregate classification (germline): Pathogenic. Review status: reviewed by expert panel (3 of 4 stars). 18 submissions from 16 submitters: Pathogenic (1). 17 of the submissions do not count toward it. Last evaluated 2026-01-23.

Conditions:
DYSF-related disorder. Also called: DYSF-related disorders; DYSF-related condition.
Autosomal recessive limb-girdle muscular dystrophy. Identifiers: Orphanet 102015, MedGen C2931907, MONDO:0015152.
Autosomal recessive limb-girdle muscular dystrophy type 2B (LGMDR2). Also called: MUSCULAR DYSTROPHY, LIMB-GIRDLE, TYPE 3; MUSCULAR DYSTROPHY, LIMB-GIRDLE, AUTOSOMAL RECESSIVE 2; Limb-girdle muscular dystrophy, type 2B; Limb-Girdle Muscular Dystrophy Type 2B (LGMD2B). Identifiers: Orphanet 268, MedGen C1850889, MONDO:0009676, OMIM 253601.
Miyoshi muscular dystrophy 1 (MMD1). Identifiers: Orphanet 45448, MedGen C4551973, MONDO:0024545, OMIM 254130.
Distal myopathy with anterior tibial onset. Identifiers: Orphanet 178400, MedGen C1847532, MONDO:0011721, OMIM 606768.
Neuromuscular disease caused by qualitative or quantitative defects of dysferlin. Also called: Qualitative or quantitative defects of dysferlin; Dysferlinopathy. Identifiers: Orphanet 207073, MedGen C2931687, MONDO:0016145.

Allele frequency attached by ClinVar (database versions not stated): gnomAD 0.00001 and 0.00002; gnomAD exomes 0.00001; ExAC 0.00002; TOPMed 0.00003.
gnomAD v4.1: 45 of 1,614,122 alleles (0.0028%); highest among the groups gnomAD compares: Non-Finnish European, 0.0033%; no homozygotes.

Submissions 1 to 10 of 18:

ClinGen Limb Girdle Muscular Dystrophy Variant Curation Expert Panel, ClinGen
Classification: Pathogenic for Autosomal recessive limb-girdle muscular dystrophy. Last evaluated: 2026-01-23. Review status: reviewed by expert panel. Criteria: ClinGen LGMD VCEP ACMG Specifications DYSF V2.0.0. Collection method: curation. Allele origin: germline. Inheritance: Autosomal recessive inheritance.
Comment: The NM_003494.4: c.5713C>T p.(Arg1905Ter) variant in DYSF, which is also known as NM_001130987.2: c.5830C>T p.(Arg1944Ter), is a nonsense variant predicted to cause a premature stop codon in exon 51/55, leading to nonsense mediated decay in a gene in which loss of function is a known mechanism of disease (PVS1). There is also a chance for missplicing (SpliceAI delta score 0.23 for acceptor loss and 0.21 for donor loss), but exon skipping would be expected to introduce a frameshift and nonsense mediated decay. Across a selection of the available literature, this variant has been reported in at least seven individuals with suspected LGMD (PMID: 27602406, 33927379, 39548682), including in a homozygous state in at least two individuals with no reported familial consanguinity (1.0 pt, PMID: 39548682, LOVD individuals #00219410 and #00220156) and four with a second pathogenic variant in unknown phase (c.2779del p.(Ala927LeufsTer21), 0.5 pts, and c.3517dup p.(Ser1173PhefsTer2), 0.5 pts, PMID: 33927379; c.1392dupA p.(Asp465ArgfsTer9), 0.5 pts, and c.1481-1G>A, 0.5 pts, PMID: 27602406) (PM3_Strong). At least one patient with this variant and a second presumed diagnostic DYSF variant had suspected LGMD and absent dysferlin protein expression in blood monocytes, which is highly specific for DYSF-associated LGMD (PMID: 27602406; PP4_Strong). The filtering allele frequency for this variant is 0.000043167 in gnomAD v4.1.0 (the upper bound of the 95% CI of 39/1180060 European (non-Finnish) chromosomes), which is lower than the LGMD VCEP threshold for PM2_Supporting, meeting this criterion (PM2_Supporting). In summary, this variant meets the criteria to be classified as Pathogenic for autosomal recessive limb girdle muscular dystrophy based on the ACMG/AMP criteria applied, as specified by the ClinGen LGMD VCEP (specifications v2.0.0; 01/23/2026): PVS1, PP4_Strong, PM3_Strong, PM2_Supporting.

Labcorp Genetics (formerly Invitae), Labcorp
Classification: Pathogenic for Neuromuscular disease caused by qualitative or quantitative defects of dysferlin. Last evaluated: 2026-01-26. Review status: criteria provided, single submitter. Criteria: Invitae Variant Classification Sherloc (09022015). Collection method: clinical testing. Allele origin: germline. Not counted in ClinVar's aggregate classification.
Comment: This sequence change creates a premature translational stop signal (p.Arg1905*) in the DYSF gene. It is expected to result in an absent or disrupted protein product. Loss-of-function variants in DYSF are known to be pathogenic (PMID: 17698709, 20301480). This variant is present in population databases (rs121908959, gnomAD 0.003%). This premature translational stop signal has been observed in individuals with dysferlinopathy (PMID: 16087766). It has also been observed to segregate with disease in related individuals. ClinVar contains an entry for this variant (Variation ID: 6676). For these reasons, this variant has been classified as Pathogenic.

Natera, Inc.
Classification: Pathogenic for Limb-girdle muscular dystrophy type 2B. Last evaluated: 2026-01-22. Review status: criteria provided, single submitter. Criteria: Natera Variant Classification Schema (03/2026). Collection method: clinical testing. Allele origin: germline. Not counted in ClinVar's aggregate classification.
Comment: The c.5713C>T variant in DYSF is a nonsense variant predicted to introduce a stop codon at amino acid 1905. This variant is expected to result in nonsense mediated decay, truncation, or a dysfunctional protein product. This variant is rare in the general population with a frequency below the threshold expected for the associated phenotype(s). This variant has been observed in one or more individuals affected with the associated recessive disease, as either homozygous or compound heterozygous with a second variant (PMID: 27066573, 36580222). Given the available evidence, this variant is classified as Pathogenic.

3billion
Classification: Pathogenic for Autosomal recessive limb-girdle muscular dystrophy type 2B. Last evaluated: 2025-04-01. Review status: criteria provided, single submitter. Criteria: ACMG Guidelines, 2015. Collection method: clinical testing. Allele origin: germline. Affected: yes. Not counted in ClinVar's aggregate classification.
Comment: The variant is observed at an extremely low frequency in the gnomAD v4.1.0 dataset (total allele frequency: 0.003%). Predicted Consequence/Location: Stop-gained (nonsense): predicted to result in a loss or disruption of normal protein function through nonsense-mediated decay (NMD) or protein truncation. Multiple pathogenic variants are reported downstream of the variant. The variant was homozygous. The variant has been reported at least twice as pathogenic with clinical assertions and evidence for the classification (ClinVar ID: VCV000006676 / PMID: 16087766 / 3billion dataset).Therefore, this variant is classified as Pathogenic according to the recommendation of ACMG/AMP guideline.

Genomic Medicine Center of Excellence, King Faisal Specialist Hospital and Research Centre
Classification: Pathogenic for Autosomal recessive limb-girdle muscular dystrophy type 2B. Last evaluated: 2024-03-29. Review status: criteria provided, single submitter. Criteria: ACMG Guidelines, 2015. Collection method: clinical testing. Allele origin: germline. Not counted in ClinVar's aggregate classification.

Fulgent Genetics
Classification: Pathogenic for Autosomal recessive limb-girdle muscular dystrophy type 2B; Miyoshi muscular dystrophy 1; Distal myopathy with anterior tibial onset. Last evaluated: 2024-02-19. Review status: criteria provided, single submitter. Criteria: ACMG Guidelines, 2015. Collection method: clinical testing. Allele origin: germline. Not counted in ClinVar's aggregate classification.

Revvity Omics, Revvity
Classification: Pathogenic. Last evaluated: 2023-12-13. Review status: criteria provided, single submitter. Criteria: ACMG Guidelines, 2015. Collection method: clinical testing. Allele origin: germline. Not counted in ClinVar's aggregate classification.

Baylor Genetics
Classification: Pathogenic for Miyoshi muscular dystrophy 1. Last evaluated: 2023-11-14. Review status: criteria provided, single submitter. Criteria: ACMG Guidelines, 2015. Collection method: clinical testing. Allele origin: unknown. Not counted in ClinVar's aggregate classification.

GeneDx
Classification: Pathogenic. Last evaluated: 2023-03-24. Review status: criteria provided, single submitter. Criteria: GeneDx Variant Classification Process June 2021. Collection method: clinical testing. Allele origin: germline. Affected: yes. Not counted in ClinVar's aggregate classification.
Comment: Nonsense variant predicted to result in protein truncation or nonsense mediated decay in a gene for which loss of function is a known mechanism of disease; Not observed at significant frequency in large population cohorts (gnomAD); This variant is associated with the following publications: (PMID: 25525159, 16010686, 32400077, 33250842, 33215690, 30919934, 33715265, 31069529, 34559919, 33348118, 33610434, 20558759, 16087766)

Athena Diagnostics
Classification: Pathogenic. Last evaluated: 2023-03-07. Review status: criteria provided, single submitter. Criteria: Athena Diagnostics Criteria. Collection method: clinical testing. Allele origin: unknown. Not counted in ClinVar's aggregate classification.
Comment: This variant is expected to result in the loss of a functional protein. The frequency of this variant in the general population is consistent with pathogenicity. In multiple individuals with Miyoshi muscular dystrophy, this variant has been seen with a single recessive pathogenic variant in the same gene, suggesting this variant may also be pathogenic. This variant is a common founder originating from Sueca, Spain (PMID: 16087766).